The following is an entry in ClinVar:

ClinVar aggregate classification (germline): Pathogenic/Likely pathogenic. Review status: criteria provided, multiple submitters, no conflicts (2 of 4 stars). 2 submissions from 2 submitters: Pathogenic (1); Likely pathogenic (1). Last evaluated 2023-08-12.

Submissions (2):

GeneDx
Classification: Pathogenic. Last evaluated: 2023-08-12. Review status: criteria provided, single submitter. Criteria: GeneDx Variant Classification Process June 2021. Collection method: clinical testing. Allele origin: germline. Affected: yes.
Comment: Not observed at significant frequency in large population cohorts (gnomAD); Canonical splice site variant predicted to result in a null allele in a gene for which loss of function is a known mechanism of disease; This variant is associated with the following publications: (PMID: 24706162)

PreventionGenetics, part of Exact Sciences
Classification: Likely pathogenic. Last evaluated: 2013-10-28. Review status: criteria provided, single submitter. Criteria: ACMG Guidelines, 2015. Collection method: clinical testing. Allele origin: germline.

NM_000540.3(RYR1):c.11360-1_11374del

Gene: RYR1 (ryanodine receptor 1; plus strand). Cytogenetic location: 19q13.2.
Variant type: Deletion.
Coding change: c.11360-1_11374del on transcript NM_000540.3 (MANE Select); the canonical splice acceptor site of the intron before coding-DNA position 11360 through coding-DNA position 11374, 16 bases deleted (GGAGAGACAGGTGCCA).
Molecular consequence: splice acceptor variant.
Genome position (GRCh38, 1-based): chr19:38,535,140-38,535,155, GGAGAGACAGGTGCCA deleted; deleting any 16 consecutive bases within chr19:38,535,137-38,535,155 gives the same sequence; the c. name uses the placement nearest the transcript's 3' end. VCF-style (leftmost placement, unchanged base first): chr19-38535136-TCCAGGAGAGACAGGTG-T. GRCh37 (hg19) VCF-style: chr19-39025776-TCCAGGAGAGACAGGTG-T.
Other names: c.11345-1_11359del (NM_001042723.2); c.11360-1_11374delGGAGAGACAGGTGCCA (NM_000540.2).
Identifiers: ClinVar variation 590384 (VCV000590384.3), dbSNP rs1568549310, ClinGen allele CA891863095.